The following is an entry in ClinVar:

NM_002609.4(PDGFRB):c.1244-12_1244-10dup

Gene: PDGFRB (platelet derived growth factor receptor beta; minus strand). Cytogenetic location: 5q32.
Variant type: Duplication.
Coding change: c.1244-12_1244-10dup on transcript NM_002609.4 (MANE Select); 12 bases into the intron before coding-DNA position 1244 through 10 bases into the intron before coding-DNA position 1244, 3 bases duplicated (CTC; older notation c.1244-12_1244-10dupCTC).
Molecular consequence: intron variant.
Genome position (GRCh38, 1-based): chr5:150,130,672-150,130,674, GAG duplicated on the plus strand (CTC on the coding strand, the reverse complement: PDGFRB is on the minus strand). VCF-style (leftmost placement, unchanged base first): chr5-150130671-A-AGAG. GRCh37 (hg19) VCF-style: chr5-149510234-A-AGAG.
Other names: p.?; c.1052-12_1052-10dup (NM_001355016.2); c.761-12_761-10dup (NM_001355017.2).
Identifiers: ClinVar variation 4684872 (VCV004684872.1).
Genomic context (GRCh38, chr5:150,130,671, plus strand): 5'-TGTTCCCCACTGTCAGGGTGGCTCTCACTTAGCTCCAGCACTCGGACAGGGACTGCATGG[A>AGAG]GAGAGCACTGAGTTAGGAGGCGGGAGGGTCAGGACAGTTAACAGGACAGGTCCTCAGGGG-3'

ClinVar aggregate classification (germline): Likely benign (1 of 4 stars; one submission).

Submission:

Mayo Clinic Laboratories, Mayo Clinic
Classification: Likely benign. Last evaluated: 2025-03-18. Review status: criteria provided, single submitter. Criteria: ACMG Guidelines, 2015. Collection method: clinical testing. Allele origin: germline. Observed: 1 variant allele.
Comment: BP4, BP7